The following is an entry in ClinVar:

ClinVar aggregate classification (germline): Uncertain significance (1 of 4 stars; one submission).

Conditions:
Hereditary spastic paraplegia 4. Also called: Spastic Paraplegia 4; Spastic paraplegia 4, autosomal dominant; Familial spastic paraplegia autosomal dominant 2. Identifiers: Orphanet 100985, MedGen C1866855, MONDO:0008438, OMIM 182601.

Submission:

MGZ Medical Genetics Center
Classification: Uncertain significance for Hereditary spastic paraplegia 4. Last evaluated: 2022-08-18. Review status: criteria provided, single submitter. Criteria: ACMG Guidelines, 2015. Collection method: clinical testing. Allele origin: germline. Affected: yes. Observed: 1 variant allele.
Comment: ACMG criteria applied: PM4, PM2_SUP, PP1

NM_014946.4(SPAST):c.225_226insCAC (p.Phe75_Val76insHis)

Gene: SPAST (spastin; plus strand). Cytogenetic location: 2p22.3.
Variant type: Insertion.
Coding change: c.225_226insCAC on transcript NM_014946.4 (MANE Select); coding-DNA positions 225 to 226, CAC inserted.
Protein change: p.Phe75_Val76insHis.
Molecular consequence: inframe insertion.
Genome position: GRCh38 VCF-style: chr2-32064055-T-TCCA. GRCh37 (hg19) VCF-style: chr2-32289124-T-TCCA.
Other names: c.225_226insCAC, p.Phe75_Val76insHis (NM_001363823.2, NM_001363875.2, NM_001377959.1 and 1 more transcripts).
Identifiers: ClinVar variation 1709748 (VCV001709748.2), dbSNP rs2465681509, ClinGen allele CA2580066383.